The following is an entry in ClinVar:

ClinVar aggregate classification (germline): Uncertain significance (1 of 4 stars; one submission).

Conditions:
Hereditary spastic paraplegia 75. Also called: Spastic paraplegia 75, autosomal recessive. Identifiers: Orphanet 459056, MedGen C4225250, MONDO:0014729, OMIM 616680.

Submission:

Labcorp Genetics (formerly Invitae), Labcorp
Classification: Uncertain significance for Hereditary spastic paraplegia 75. Last evaluated: 2024-11-05. Review status: criteria provided, single submitter. Criteria: Invitae Variant Classification Sherloc (09022015). Collection method: clinical testing. Allele origin: germline.
Comment: This sequence change replaces valine, which is neutral and non-polar, with leucine, which is neutral and non-polar, at codon 382 of the MAG protein (p.Val382Leu). This variant is not present in population databases (gnomAD no frequency). This variant has not been reported in the literature in individuals affected with MAG-related conditions. ClinVar contains an entry for this variant (Variation ID: 1461046). Invitae Evidence Modeling of protein sequence and biophysical properties (such as structural, functional, and spatial information, amino acid conservation, physicochemical variation, residue mobility, and thermodynamic stability) indicates that this missense variant is not expected to disrupt MAG protein function with a negative predictive value of 80%. In summary, the available evidence is currently insufficient to determine the role of this variant in disease. Therefore, it has been classified as a Variant of Uncertain Significance.

NM_002361.4(MAG):c.1144G>T (p.Val382Leu)

Gene: MAG (myelin associated glycoprotein; plus strand). Cytogenetic location: 19q13.12.
Variant type: single nucleotide variant.
Coding change: c.1144G>T on transcript NM_002361.4 (MANE Select); coding-DNA position 1144, G replaced by T.
Protein change: p.Val382Leu; replaces valine 382 with leucine.
Molecular consequence: missense variant.
Genome position (GRCh38, 1-based): chr19:35,302,621, G>T. VCF-style: chr19-35302621-G-T. GRCh37 (hg19) VCF-style: chr19-35793524-G-T.
Other names: c.1069G>T, p.Val357Leu (NM_001199216.2); c.1144G>T, p.Val382Leu (NM_080600.3); short protein forms V382L, V357L.
Identifiers: ClinVar variation 1461046 (VCV001461046.8), dbSNP rs751480059, ClinGen allele CA405313429.